The following is an entry in ClinVar:

NM_001164508.2(NEB):c.11585_11586delinsC (p.Tyr3862fs)

Gene: NEB (nebulin; minus strand). Cytogenetic location: 2q23.3.
Variant type: Indel.
Coding change: c.11585_11586delinsC on transcript NM_001164508.2 (MANE Select); coding-DNA positions 11585 to 11586, AT replaced by C.
Protein change: p.Tyr3862fs; shifts the reading frame from tyrosine 3862.
Molecular consequence: frameshift variant.
Genome position (GRCh38, 1-based): chr2:151,614,291-151,614,292, AT replaced by G on the plus strand (AT replaced by C on the coding strand, the reverse complement: NEB is on the minus strand). VCF-style: chr2-151614291-AT-G. GRCh37 (hg19) VCF-style: chr2-152470805-AT-G.
Other names: c.11585_11586delinsC, p.Tyr3862fs (NM_001164507.2, NM_001271208.2); c.10856_10857delinsC, p.Tyr3619fs (NM_004543.5); short protein forms Y3619fs, Y3862fs.
Identifiers: ClinVar variation 465439 (VCV000465439.5), dbSNP rs1553896522, ClinGen allele CA658657071.
Genomic context (GRCh38, chr2:151,614,291, plus strand): 5'-GAATGCTTTTCTAAACCATTACTGAAGAATATTAGAGCCACTCACATCACTCTGCAGGTC[AT>G]AGGCCTTCCGAGCCTGAATGACGTCATTCTGATCAGGCAGGCAGGTCCATTCATGCAGGG-3'

ClinVar aggregate classification (germline): Pathogenic (1 of 4 stars; one submission).

Conditions:
Nemaline myopathy 2 (NEM2). Also called: Nemaline myopathy 2, autosomal recessive. Identifiers: MedGen C1850569, MONDO:0009725, OMIM 256030.

Submission:

Labcorp Genetics (formerly Invitae), Labcorp
Classification: Pathogenic for Nemaline myopathy 2. Last evaluated: 2016-10-09. Review status: criteria provided, single submitter. Criteria: Invitae Variant Classification Sherloc (09022015). Collection method: clinical testing. Allele origin: germline.
Comment: Loss-of-function variants in NEB are known to be pathogenic. This particular variant has been reported in the literature (PMID: 16917880). This sequence change deletes 2 nucleotides and inserts 1 nucleotide in exon 77 of the NEB mRNA (c.11585_11586delinsC), causing a frameshift at codon 3862. This creates a premature translational stop signal (p.Tyr3862Serfs*16) and is expected to result in an absent or disrupted protein product. For these reasons, this variant has been classified as Pathogenic.

Literature cited by the submitters: PubMed 16917880.